The following is an entry in ClinVar:

NM_006767.4(LZTR1):c.1297T>G (p.Tyr433Asp)

Gene: LZTR1 (leucine zipper like post translational regulator 1; plus strand). Cytogenetic location: 22q11.21.
Variant type: single nucleotide variant.
Coding change: c.1297T>G on transcript NM_006767.4 (MANE Select); coding-DNA position 1297, T replaced by G.
Protein change: p.Tyr433Asp; replaces tyrosine 433 with aspartic acid.
Molecular consequence: missense variant.
Genome position (GRCh38, 1-based): chr22:20,993,698, T>G. VCF-style: chr22-20993698-T-G. GRCh37 (hg19) VCF-style: chr22-21347987-T-G.
Other names: short protein forms Y433D.
Identifiers: ClinVar variation 3238053 (VCV003238053.3), dbSNP rs1182184417.
Genomic context (GRCh38, chr22:20,993,698, plus strand): 5'-AGTCTCACTGGGCCCCTCTTGCAGTTCTCCTGTTACCCTAAATGCACGCTGCACGAGGAC[T>G]ACGGGCGGCTGTGGGAGAGCCGCCAGTTCTGCGACGTGGAGTTCGTGCTGGGTGAGGTGG-3'
Protein context (NP_006758.2, residues 423-443): CYPKCTLHED[Tyr433Asp]GRLWESRQFC

ClinVar aggregate classification (germline): Uncertain significance. Review status: criteria provided, multiple submitters, no conflicts (2 of 4 stars). 2 submissions from 2 submitters: Uncertain significance (2). Last evaluated 2025-12-17.

Conditions:
Hereditary cancer-predisposing syndrome. Also called: Neoplastic Syndromes, Hereditary; Tumor predisposition; Hereditary neoplastic syndrome; Hereditary Cancer Syndrome. Identifiers: Orphanet 140162, MedGen C0027672, MeSH D009386, MONDO:0015356.
Cardiovascular phenotype. Identifiers: MedGen CN230736.

Submissions (2):

Labcorp Genetics (formerly Invitae), Labcorp
Classification: Uncertain significance. Last evaluated: 2025-12-17. Review status: criteria provided, single submitter. Criteria: Invitae Variant Classification Sherloc (09022015). Collection method: clinical testing. Allele origin: germline.
Comment: This sequence change replaces tyrosine, which is neutral and polar, with aspartic acid, which is acidic and polar, at codon 433 of the LZTR1 protein (p.Tyr433Asp). This variant is not present in population databases (gnomAD no frequency). This variant has not been reported in the literature in individuals affected with LZTR1-related conditions. ClinVar contains an entry for this variant (Variation ID: 3238053). Invitae Evidence Modeling of protein sequence and biophysical properties (such as structural, functional, and spatial information, amino acid conservation, physicochemical variation, residue mobility, and thermodynamic stability) indicates that this missense variant is not expected to disrupt LZTR1 protein function with a negative predictive value of 80%. In summary, the available evidence is currently insufficient to determine the role of this variant in disease. Therefore, it has been classified as a Variant of Uncertain Significance.

Ambry Genetics
Classification: Uncertain significance for Cardiovascular phenotype; Hereditary cancer-predisposing syndrome. Last evaluated: 2025-05-29. Review status: criteria provided, single submitter. Criteria: Ambry Variant Classification Scheme 2023. Collection method: clinical testing. Allele origin: germline.
Comment: The p.Y433D variant (also known as c.1297T>G), located in coding exon 12 of the LZTR1 gene, results from a T to G substitution at nucleotide position 1297. The tyrosine at codon 433 is replaced by aspartic acid, an amino acid with highly dissimilar properties. This amino acid position is highly conserved in available vertebrate species. In addition, this alteration is predicted to be deleterious by in silico analysis. Based on the available evidence, the clinical significance of this variant remains unclear.